The following is an entry in ClinVar:

NM_000018.4(ACADVL):c.201G>A (p.Lys67=)

Gene: ACADVL (acyl-CoA dehydrogenase very long chain; plus strand). Cytogenetic location: 17p13.1.
Variant type: single nucleotide variant.
Coding change: c.201G>A on transcript NM_000018.4 (MANE Select); coding-DNA position 201, G replaced by A.
Protein change: p.Lys67=; no amino-acid change (lysine 67 retained).
Molecular consequence: synonymous variant. On other transcripts: 5 prime UTR variant (1), intron variant (1).
Genome position (GRCh38, 1-based): chr17:7,220,526, G>A. VCF-style: chr17-7220526-G-A. GRCh37 (hg19) VCF-style: chr17-7123845-G-A.
Other names: NM_000018.4(ACADVL):c.201G>A; p.Lys67=; c.270G>A, p.Lys90= (NM_001270447.2); c.-28G>A (NM_001270448.2); c.139-78G>A (NM_001033859.3).
Identifiers: ClinVar variation 892468 (VCV000892468.13), dbSNP rs753577095, ClinGen allele CA8337582.

ClinVar aggregate classification (germline): Uncertain significance. Review status: reviewed by expert panel (3 of 4 stars). 3 submissions from 3 submitters: Uncertain significance (1). 2 of the submissions do not count toward it. Last evaluated 2023-12-12.

Conditions:
Very long chain acyl-CoA dehydrogenase deficiency (ACADVLD). Also called: VLCAD Deficiency; Very Long-Chain Acyl-Coenzyme A Dehydrogenase Deficiency. Identifiers: Orphanet 26793, MedGen C3887523, MONDO:0008723, OMIM 201475.

Allele frequency attached by ClinVar (database versions not stated): gnomAD exomes below 0.00001; ExAC 0.00001; gnomAD 0.00001; TOPMed 0.00001.
gnomAD v4.1: 3 of 1,614,106 alleles (0.00019%); highest among the groups gnomAD compares: Non-Finnish European, 0.00025%; no homozygotes.

Submissions (3):

ClinGen ACADVL Variant Curation Expert Panel, ClinGen
Classification: Uncertain significance for Very long chain acyl-CoA dehydrogenase deficiency. Last evaluated: 2023-12-12. Review status: reviewed by expert panel. Criteria: clingen acadvl acmg specifications v1. Collection method: curation. Allele origin: germline. Inheritance: Autosomal recessive inheritance.
Comment: The c.201G>A (p.Lys67=) variant (NM_000018.4) is a synonymous (silent) variant. BP7 was not applied because the nucleotide is conserved, as shown by PhastCons. However, the results from three in silico splicing predictors (SpliceAI, NNsplice, MaxEntScan) support that this variant does not affect splicing (BP4). The highest population minor allele frequency in gnomAD v3.1.2 is 0.000008793 in the European (non-Finnish) population, which is lower than the ClinGen ACADVL Variant Curation Expert Panel threshold (<0.001) for PM2_Supporting, meeting this criterion (PM2_Supporting). In summary, this variant meets the criteria to be classified as a variant of uncertain significance for autosomal recessive very long chain acyl-CoA dehydrogenase (VLCAD) deficiency based on the ACMG/AMP criteria applied, as specified by the ClinGen ACADVL Variant Curation Expert Panel: PM2, BP4 (ACADVL VCEP specifications version 1; approved November 9, 2021).

Labcorp Genetics (formerly Invitae), Labcorp
Classification: Likely benign for Very long chain acyl-CoA dehydrogenase deficiency. Last evaluated: 2025-06-12. Review status: criteria provided, single submitter. Criteria: Invitae Variant Classification Sherloc (09022015). Collection method: clinical testing. Allele origin: germline. Not counted in ClinVar's aggregate classification.

Illumina Laboratory Services, Illumina
Classification: Uncertain significance for Very long chain acyl-CoA dehydrogenase deficiency. Last evaluated: 2018-01-12. Review status: criteria provided, single submitter. Criteria: ICSL Variant Classification Criteria 13 December 2019. Collection method: clinical testing. Allele origin: germline. Not counted in ClinVar's aggregate classification.